The following is an entry in ClinVar:

ClinVar aggregate classification (germline): Uncertain significance (1 of 4 stars; one submission).

Submission:

GeneDx
Classification: Uncertain significance. Last evaluated: 2025-01-01. Review status: criteria provided, single submitter. Criteria: GeneDx Variant Classification Process June 2021. Collection method: clinical testing. Allele origin: germline. Affected: yes.
Comment: Not observed at significant frequency in large population cohorts (gnomAD); In silico analysis supports that this missense variant has a deleterious effect on protein structure/function; Has not been previously published as pathogenic or benign to our knowledge

NM_001393504.1(MAST3):c.1177G>C (p.Glu393Gln)

Gene: MAST3 (microtubule associated serine/threonine kinase 3; plus strand). Cytogenetic location: 19p13.11.
Variant type: single nucleotide variant.
Coding change: c.1177G>C on transcript NM_001393504.1 (MANE Select); coding-DNA position 1177, G replaced by C.
Protein change: p.Glu393Gln; replaces glutamic acid 393 with glutamine.
Molecular consequence: missense variant.
Genome position (GRCh38, 1-based): chr19:18,128,905, G>C. VCF-style: chr19-18128905-G-C. GRCh37 (hg19) VCF-style: chr19-18239715-G-C.
Other names: c.1105G>C, p.Glu369Gln (NM_001393519.1, NM_001393511.1); c.1087G>C, p.Glu363Gln (NM_001393520.1, NM_001393515.1); c.1063G>C, p.Glu355Gln (NM_001393521.1); c.1090G>C, p.Glu364Gln (NM_015016.2, NM_001393514.1); c.1201G>C, p.Glu401Gln (NM_001393501.1); c.1180G>C, p.Glu394Gln (NM_001393502.1); c.1177G>C, p.Glu393Gln (NM_001393503.1); c.1174G>C, p.Glu392Gln (NM_001393505.1); and 4 more; short protein forms E363Q, E377Q, E392Q, E401Q, E364Q, E386Q, E355Q, E369Q.
Identifiers: ClinVar variation 4055989 (VCV004055989.1).
Genomic context (GRCh38, chr19:18,128,905, plus strand): 5'-TAAGCCCTTCCCATCCCCTAGAGCCGCGCCCTGGTCGGCCAGTCACGGAGGAAGCCATGC[G>C]AAAGCGACTTTGAGACCATCAAACTCATTAGCAACGGAGCCTATGGGTGAGTCCCTGAGT-3'
Protein context (NP_001380433.1, residues 383-403): LVGQSRRKPC[Glu393Gln]SDFETIKLIS